The following is an entry in ClinVar:

ClinVar aggregate classification (germline): Conflicting classifications of pathogenicity. Review status: criteria provided, conflicting classifications (1 of 4 stars). 2 submissions from 2 submitters: Likely pathogenic (1); Uncertain significance (1). Last evaluated 2025-06-02.

Conditions:
Very long chain acyl-CoA dehydrogenase deficiency (ACADVLD). Also called: VLCAD Deficiency; Very Long-Chain Acyl-Coenzyme A Dehydrogenase Deficiency. Identifiers: Orphanet 26793, MedGen C3887523, MONDO:0008723, OMIM 201475.

Submissions (2):

Women's Health and Genetics/Laboratory Corporation of America, LabCorp
Classification: Uncertain significance. Last evaluated: 2025-06-02. Review status: criteria provided, single submitter. Criteria: LabCorp Variant Classification Summary - May 2015. Collection method: clinical testing. Allele origin: germline.
Comment: Variant summary: ACADVL c.1367G>C (p.Arg456Pro) results in a non-conservative amino acid change in the encoded protein sequence. Algorithms developed to predict the effect of missense changes on protein structure and function all suggest that this variant is likely to be disruptive. The variant was absent in 251386 control chromosomes (gnomAD). To our knowledge, no occurrence of c.1367G>C in individuals affected with Very Long Chain Acyl-CoA Dehydrogenase Deficiency and no experimental evidence demonstrating its impact on protein function have been reported. However, different missense changes affecting the same amino acid (R456H/C ) are reported in affected individuals (HGMD), and been classified as Likely Pathogenic/ Pathogenic (ClinVar), indicating the functional importance of this residue. ClinVar contains an entry for this variant (Variation ID: 1494614). Based on the evidence outlined above, the variant was classified as VUS-possibly pathogenic.

Labcorp Genetics (formerly Invitae), Labcorp
Classification: Likely pathogenic for Very long chain acyl-CoA dehydrogenase deficiency. Last evaluated: 2022-11-29. Review status: criteria provided, single submitter. Criteria: Invitae Variant Classification Sherloc (09022015). Collection method: clinical testing. Allele origin: germline.
Comment: This variant is not present in population databases (gnomAD no frequency). In summary, the currently available evidence indicates that the variant is pathogenic, but additional data are needed to prove that conclusively. Therefore, this variant has been classified as Likely Pathogenic. This variant disrupts the p.Arg456 amino acid residue in ACADVL. Other variant(s) that disrupt this residue have been determined to be pathogenic (PMID: 17206456, 30194637, 32061778). This suggests that this residue is clinically significant, and that variants that disrupt this residue are likely to be disease-causing. Advanced modeling of protein sequence and biophysical properties (such as structural, functional, and spatial information, amino acid conservation, physicochemical variation, residue mobility, and thermodynamic stability) performed at Invitae indicates that this missense variant is expected to disrupt ACADVL protein function. ClinVar contains an entry for this variant (Variation ID: 1494614). This variant has not been reported in the literature in individuals affected with ACADVL-related conditions. This sequence change replaces arginine, which is basic and polar, with proline, which is neutral and non-polar, at codon 456 of the ACADVL protein (p.Arg456Pro).

Literature cited by the submitters: PubMed 17206456 (cited by Labcorp Genetics (formerly Invitae), Labcorp); PubMed 30194637 (cited by Labcorp Genetics (formerly Invitae), Labcorp); PubMed 32061778 (cited by Labcorp Genetics (formerly Invitae), Labcorp).

NM_000018.4(ACADVL):c.1367G>C (p.Arg456Pro)

Gene: ACADVL (acyl-CoA dehydrogenase very long chain; plus strand). Cytogenetic location: 17p13.1.
Variant type: single nucleotide variant.
Coding change: c.1367G>C on transcript NM_000018.4 (MANE Select); coding-DNA position 1367, G replaced by C.
Protein change: p.Arg456Pro; replaces arginine 456 with proline.
Molecular consequence: missense variant.
Genome position (GRCh38, 1-based): chr17:7,224,002, G>C. VCF-style: chr17-7224002-G-C. GRCh37 (hg19) VCF-style: chr17-7127321-G-C.
Other names: c.1301G>C, p.Arg434Pro (NM_001033859.3); c.1436G>C, p.Arg479Pro (NM_001270447.2); c.1139G>C, p.Arg380Pro (NM_001270448.2); short protein forms R380P, R434P, R479P, R456P.
Identifiers: ClinVar variation 1494614 (VCV001494614.9), dbSNP rs794727112, ClinGen allele CA397724967.